The following is an entry in ClinVar:

ClinVar aggregate classification (germline): Uncertain significance. Review status: criteria provided, multiple submitters, no conflicts (2 of 4 stars). 2 submissions from 2 submitters: Uncertain significance (2). Last evaluated 2023-12-05.

Conditions:
Familial thoracic aortic aneurysm and aortic dissection (TAAD). Also called: Thoracic aortic aneurysms and dissections. Identifiers: Orphanet 91387, MedGen C4707243, MONDO:0019625.

Allele frequency attached by ClinVar (database versions not stated): TOPMed 0.00001.
gnomAD v4.1: 3 of 1,613,990 alleles (0.00019%); highest among the groups gnomAD compares: African/African-American, 0.004%; no homozygotes.

Submissions (2):

Color Diagnostics, LLC DBA Color Health
Classification: Uncertain significance for Familial thoracic aortic aneurysm and aortic dissection. Last evaluated: 2023-12-05. Review status: criteria provided, single submitter. Criteria: ACMG Guidelines, 2015. Collection method: clinical testing. Allele origin: germline.
Comment: This missense variant replaces glutamic acid with aspartic acid at codon 1607 of the MYH11 protein. Computational prediction tools and conservation analyses are inconclusive regarding the impact of this variant on the protein function. Computational splicing tools suggest that this variant may not impact RNA splicing. To our knowledge, functional assays have not been performed for this variant nor has this variant been reported in individuals affected with cardiovascular disorders in the literature. This variant has not been identified in the general population by the Genome Aggregation Database (gnomAD). Available evidence is insufficient to determine the role of this variant in disease conclusively. Therefore, this variant is classified as a Variant of Uncertain Significance.

Ambry Genetics
Classification: Uncertain significance for Familial thoracic aortic aneurysm and aortic dissection. Last evaluated: 2022-08-29. Review status: criteria provided, single submitter. Criteria: Ambry Variant Classification Scheme 2023. Collection method: clinical testing. Allele origin: germline.
Comment: The p.E1600D variant (also known as c.4800G>T), located in coding exon 33 of the MYH11 gene, results from a G to T substitution at nucleotide position 4800. The glutamic acid at codon 1600 is replaced by aspartic acid, an amino acid with highly similar properties. This amino acid position is conserved. In addition, this alteration is predicted to be tolerated by in silico analysis. Since supporting evidence is limited at this time, the clinical significance of this alteration remains unclear.

NM_002474.3(MYH11):c.4800G>T (p.Glu1600Asp)

Genes: MYH11 (myosin heavy chain 11; minus strand), NDE1 (nudE neurodevelopment protein 1; plus strand). Cytogenetic location: 16p13.11.
Variant type: single nucleotide variant.
Coding change: c.4800G>T on transcript NM_002474.3 (MANE Select); coding-DNA position 4800, G replaced by T.
Protein change: p.Glu1600Asp; replaces glutamic acid 1600 with aspartic acid.
Molecular consequence: missense variant. On other transcripts: intron variant (2).
Genome position (GRCh38, 1-based): chr16:15,720,304, C>A on the plus strand (G>T on the coding strand, the complement: MYH11 is on the minus strand). VCF-style: chr16-15720304-C-A. GRCh37 (hg19) VCF-style: chr16-15814161-C-A.
Other names: c.4821G>T, p.Glu1607Asp (NM_001040113.2, NM_001040114.2); c.4800G>T, p.Glu1600Asp (NM_022844.3); c.948-3887C>A (NM_001143979.2, NM_017668.3); short protein forms E1600D, E1607D.
Identifiers: ClinVar variation 918273 (VCV000918273.7), dbSNP rs1328056044, ClinGen allele CA394852831.
Genomic context (GRCh38, chr16:15,720,304, plus strand): 5'-CTTCTTTGCTGCAGCTGCCAGGGCACGTTGCTTTCGCTCGTCTTCCAGTTCCGTCTCATA[C>A]TCGTGAAGCTGGGCGAGGAATAGAGATGTGTGCTGCCCCACTTGCCCCTGGGAGGTCCTT-3'
Protein context (NP_002465.1, residues 1590-1610): KRRQLQRQLH[Glu1600Asp]YETELEDERK